The following is an entry in ClinVar:

ClinVar aggregate classification (germline): Uncertain significance (1 of 4 stars; one submission).

Allele frequency attached by ClinVar (database versions not stated): gnomAD 0.00001; gnomAD exomes below 0.00001.
gnomAD v4.1: 2 of 1,606,892 alleles (0.00012%); highest among the groups gnomAD compares: Admixed American, 0.0017%; no homozygotes.

Submission:

Labcorp Genetics (formerly Invitae), Labcorp
Classification: Uncertain significance. Last evaluated: 2022-06-01. Review status: criteria provided, single submitter. Criteria: Invitae Variant Classification Sherloc (09022015). Collection method: clinical testing. Allele origin: germline.
Comment: In summary, the available evidence is currently insufficient to determine the role of this variant in disease. Therefore, it has been classified as a Variant of Uncertain Significance. Algorithms developed to predict the effect of sequence changes on RNA splicing suggest that this variant may disrupt the consensus splice site. This variant has not been reported in the literature in individuals affected with KIF12-related conditions. This variant is not present in population databases (gnomAD no frequency). This sequence change falls in intron 4 of the KIF12 gene. It does not directly change the encoded amino acid sequence of the KIF12 protein.

NM_001388308.1(KIF12):c.646+10G>T

Gene: KIF12 (kinesin family member 12; minus strand). Cytogenetic location: 9q32.
Variant type: single nucleotide variant.
Coding change: c.646+10G>T on transcript NM_001388308.1 (MANE Select); 10 bases into the intron after coding-DNA position 646, G replaced by T.
Molecular consequence: intron variant.
Genome position (GRCh38, 1-based): chr9:114,097,291, C>A on the plus strand (G>T on the coding strand, the complement: KIF12 is on the minus strand). VCF-style: chr9-114097291-C-A. GRCh37 (hg19) VCF-style: chr9-116859571-C-A.
Other names: c.232+10G>T (NM_138424.2).
Identifiers: ClinVar variation 2001793 (VCV002001793.4), dbSNP rs1847272560, ClinGen allele CA1128320818.
Genomic context (GRCh38, chr9:114,097,291, plus strand): 5'-AGTCCACACTCAGTGAACAACTGAGGAATGGGCACCCCTACCCGCAAAACTCCCCGCTGT[C>A]AGCACACACCCGTTTGCAAAAGTTCCATCAGGGCCTCCAGACTCCCAAATTCCACCACCC-3'